The following is an entry in ClinVar:

NM_006005.3(WFS1):c.541C>T (p.Leu181=)

Gene: WFS1 (wolframin ER transmembrane glycoprotein; plus strand). Cytogenetic location: 4p16.1.
Variant type: single nucleotide variant.
Coding change: c.541C>T on transcript NM_006005.3 (MANE Select); coding-DNA position 541, C replaced by T.
Protein change: p.Leu181=; no amino-acid change (leucine 181 retained).
Molecular consequence: synonymous variant.
Genome position (GRCh38, 1-based): chr4:6,291,277, C>T. VCF-style: chr4-6291277-C-T. GRCh37 (hg19) VCF-style: chr4-6293004-C-T.
Other names: c.541C>T, p.Leu181= (NM_001145853.1).
Identifiers: ClinVar variation 2075027 (VCV002075027.7), dbSNP rs761055813, ClinGen allele CA2838933.

ClinVar aggregate classification (germline): Likely benign. Review status: criteria provided, multiple submitters, no conflicts (2 of 4 stars). 3 submissions from 3 submitters: Likely benign (2). 1 of the submissions does not count toward it. Last evaluated 2024-05-31.

Conditions:
WFS1-related disorder. Identifiers: MedGen CN379391, MONDO:0700293.

Allele frequency attached by ClinVar (database versions not stated): ExAC 0.00001; gnomAD 0.00002; gnomAD exomes 0.00004.
gnomAD v4.1: 59 of 1,613,302 alleles (0.0037%); highest among the groups gnomAD compares: Non-Finnish European, 0.0047%; no homozygotes.

Submissions (3):

Labcorp Genetics (formerly Invitae), Labcorp
Classification: Likely benign. Last evaluated: 2024-05-31. Review status: criteria provided, single submitter. Criteria: Invitae Variant Classification Sherloc (09022015). Collection method: clinical testing. Allele origin: germline.

Blueprint Genetics
Classification: Likely benign. Last evaluated: 2023-07-12. Review status: criteria provided, single submitter. Criteria: ACMG Guidelines, 2015. Collection method: clinical testing. Allele origin: germline.

PreventionGenetics, part of Exact Sciences
Classification: Likely benign for WFS1-related condition. Last evaluated: 2022-03-15. Review status: no assertion criteria provided. Collection method: clinical testing. Allele origin: germline. Not counted in ClinVar's aggregate classification.
Comment: This variant is classified as likely benign based on ACMG/AMP sequence variant interpretation guidelines (Richards et al. 2015 PMID: 25741868, with internal and published modifications).